The following is an entry in ClinVar:

NM_001377405.1(ATXN7):c.104A>C (p.Gln35Pro)

Genes: ATXN7 (ataxin 7; plus strand), LOC108660406 (ataxin 7 repeat instability region; plus strand), LOC129936979 (ATAC-STARR-seq lymphoblastoid silent region 14501; plus strand). Cytogenetic location: 3p14.1.
Variant type: single nucleotide variant.
Coding change: c.104A>C on transcript NM_001377405.1 (MANE Select); coding-DNA position 104, A replaced by C.
Protein change: p.Gln35Pro; replaces glutamine 35 with proline.
Molecular consequence: missense variant.
Genome position (GRCh38, 1-based): chr3:63,912,702, A>C. VCF-style: chr3-63912702-A-C. GRCh37 (hg19) VCF-style: chr3-63898378-A-C.
Other names: c.104A>C, p.Gln35Pro (NM_000333.4, NM_001177387.1, NM_001377406.1); short protein forms Q35P.
Identifiers: ClinVar variation 3057278 (VCV003057278.3), dbSNP rs772918244, ClinGen allele CA2478173.

ClinVar aggregate classification (germline): Likely benign. Review status: criteria provided, single submitter (1 of 4 stars). 2 submissions from 2 submitters: Likely benign (1). 1 of the submissions does not count toward it. Last evaluated 2026-08-01.

Conditions:
ATXN7-related disorder. Also called: ATXN7-related condition.

Allele frequency attached by ClinVar (database versions not stated): gnomAD 0.00140; TOPMed 0.00179; gnomAD exomes 0.00236.
gnomAD v4.1: 2,634 of 1,185,296 alleles (0.22%); highest among the groups gnomAD compares: Admixed American, 0.27%; 5 homozygotes.

Submissions (2):

CeGaT Center for Human Genetics Tuebingen
Classification: Likely benign. Last evaluated: 2026-08-01. Review status: criteria provided, single submitter. Criteria: CeGaT Center For Human Genetics Tuebingen Variant Classification Criteria Version 2. Collection method: clinical testing. Allele origin: germline. Affected: yes. Observed: 1 variant allele.
Comment: ATXN7: BS1

PreventionGenetics, part of Exact Sciences
Classification: Likely benign for ATXN7-related condition. Last evaluated: 2022-08-09. Review status: no assertion criteria provided. Collection method: clinical testing. Allele origin: germline. Not counted in ClinVar's aggregate classification.
Comment: This variant is classified as likely benign based on ACMG/AMP sequence variant interpretation guidelines (Richards et al. 2015 PMID: 25741868, with internal and published modifications).